The following is an entry in ClinVar:

NM_000255.4(MMUT):c.590C>A (p.Ala197Glu)

Gene: MMUT (methylmalonyl-CoA mutase; minus strand). Cytogenetic location: 6p12.3.
Variant type: single nucleotide variant.
Coding change: c.590C>A on transcript NM_000255.4 (MANE Select); coding-DNA position 590, C replaced by A.
Protein change: p.Ala197Glu; replaces alanine 197 with glutamic acid.
Molecular consequence: missense variant.
Genome position (GRCh38, 1-based): chr6:49,457,854, G>T on the plus strand (C>A on the coding strand, the complement: MMUT is on the minus strand). VCF-style: chr6-49457854-G-T. GRCh37 (hg19) VCF-style: chr6-49425567-G-T.
Other names: short protein forms A197E.
Identifiers: ClinVar variation 2734895 (VCV002734895.4), dbSNP rs1767732703, ClinGen allele CA364404402.

ClinVar aggregate classification (germline): Conflicting classifications of pathogenicity. Review status: criteria provided, conflicting classifications (1 of 4 stars). 2 submissions from 2 submitters: Likely pathogenic (1); Uncertain significance (1). Last evaluated 2026-03-10.

Conditions:
Methylmalonic aciduria due to methylmalonyl-CoA mutase deficiency (MAMM). Also called: Methylmalonic aciduria, mut type. Identifiers: Orphanet 27, MedGen C1855114, MONDO:0009612, OMIM 251000.

Submissions (2):

Myriad Genetics, Inc.
Classification: Uncertain significance for Methylmalonic aciduria due to methylmalonyl-CoA mutase deficiency. Last evaluated: 2026-03-10. Review status: criteria provided, single submitter. Criteria: Myriad Autosomal Dominant, Autosomal Recessive and X-Linked Classification Criteria (2023). Collection method: clinical testing. Allele origin: unknown.
Comment: NM_000255.3(MMUT):c.590C>A(A197E) is a missense variant classified as a variant of uncertain significance in the context of methylmalonic acidemia, MMUT-related. A197E has been observed in cases with relevant disease (PMID: 16281286, 29039164, 34668645). Relevant functional assessments of this variant are not available in the literature. A197E has not been observed in referenced population frequency databases. In summary, there is insufficient evidence to classify NM_000255.3(MMUT):c.590C>A(A197E) as pathogenic or benign. Please note: this variant was assessed in the context of healthy population screening.

Labcorp Genetics (formerly Invitae), Labcorp
Classification: Likely pathogenic. Last evaluated: 2022-11-29. Review status: criteria provided, single submitter. Criteria: Invitae Variant Classification Sherloc (09022015). Collection method: clinical testing. Allele origin: germline.
Comment: In summary, the currently available evidence indicates that the variant is pathogenic, but additional data are needed to prove that conclusively. Therefore, this variant has been classified as Likely Pathogenic. Advanced modeling of protein sequence and biophysical properties (such as structural, functional, and spatial information, amino acid conservation, physicochemical variation, residue mobility, and thermodynamic stability) performed at Invitae indicates that this missense variant is expected to disrupt MUT protein function. This missense change has been observed in individual(s) with methylmalonic aciduria (PMID: 16281286). This variant is not present in population databases (gnomAD no frequency). This sequence change replaces alanine, which is neutral and non-polar, with glutamic acid, which is acidic and polar, at codon 197 of the MUT protein (p.Ala197Glu).

Literature cited by the submitters: PubMed 16281286 (cited by Myriad Genetics, Inc. and Labcorp Genetics (formerly Invitae), Labcorp); PubMed 29039164 (cited by Myriad Genetics, Inc.); PubMed 34668645 (cited by Myriad Genetics, Inc.).